The following is an entry in ClinVar:

ClinVar aggregate classification (germline): Uncertain significance (1 of 4 stars; one submission).

Allele frequency attached by ClinVar (database versions not stated): gnomAD exomes 0.00002; gnomAD 0.00002; TOPMed 0.00002.
gnomAD v4.1: 30 of 1,614,076 alleles (0.0019%); highest among the groups gnomAD compares: African/African-American, 0.0027%; no homozygotes.

Submission:

Labcorp Genetics (formerly Invitae), Labcorp
Classification: Uncertain significance. Last evaluated: 2025-04-04. Review status: criteria provided, single submitter. Criteria: Invitae Variant Classification Sherloc (09022015). Collection method: clinical testing. Allele origin: germline.
Comment: This sequence change replaces alanine, which is neutral and non-polar, with threonine, which is neutral and polar, at codon 329 of the KANK1 protein (p.Ala329Thr). This variant is present in population databases (no rsID available, gnomAD 0.004%). This variant has not been reported in the literature in individuals affected with KANK1-related conditions. ClinVar contains an entry for this variant (Variation ID: 2909675). Invitae Evidence Modeling of protein sequence and biophysical properties (such as structural, functional, and spatial information, amino acid conservation, physicochemical variation, residue mobility, and thermodynamic stability) has been performed for this missense variant. However, the output from this modeling did not meet the statistical confidence thresholds required to predict the impact of this variant on KANK1 protein function. In summary, the available evidence is currently insufficient to determine the role of this variant in disease. Therefore, it has been classified as a Variant of Uncertain Significance.

NM_015158.5(KANK1):c.985G>A (p.Ala329Thr)

Gene: KANK1 (KN motif and ankyrin repeat domains 1; plus strand). Cytogenetic location: 9p24.3.
Variant type: single nucleotide variant.
Coding change: c.985G>A on transcript NM_015158.5 (MANE Select); coding-DNA position 985, G replaced by A.
Protein change: p.Ala329Thr; replaces alanine 329 with threonine.
Molecular consequence: missense variant. On other transcripts: non-coding transcript variant (1).
Genome position (GRCh38, 1-based): chr9:711,751, G>A. VCF-style: chr9-711751-G-A. GRCh37 (hg19) VCF-style: chr9-711751-G-A.
Other names: c.511G>A, p.Ala171Thr (NM_001354342.2, NM_001354343.2, NM_001354344.2 and 9 more transcripts); c.985G>A, p.Ala329Thr (NM_001256876.3, NM_001256877.3, NM_001354331.2 and 2 more transcripts); short protein forms A329T, A171T.
Identifiers: ClinVar variation 2909675 (VCV002909675.3), dbSNP rs1396239844, ClinGen allele CA372747275.